The following is an entry in ClinVar:

ClinVar aggregate classification (germline): Uncertain significance (1 of 4 stars; one submission).

gnomAD v4.1: 7 of 1,550,450 alleles (0.00045%); highest among the groups gnomAD compares: South Asian, 0.0012%; no homozygotes.

Submission:

Labcorp Genetics (formerly Invitae), Labcorp
Classification: Uncertain significance. Last evaluated: 2024-02-06. Review status: criteria provided, single submitter. Criteria: Invitae Variant Classification Sherloc (09022015). Collection method: clinical testing. Allele origin: germline.
Comment: This sequence change replaces arginine, which is basic and polar, with glutamine, which is neutral and polar, at codon 441 of the PACS2 protein (p.Arg441Gln). The frequency data for this variant in the population databases is considered unreliable, as metrics indicate poor data quality at this position in the gnomAD database. This variant has not been reported in the literature in individuals affected with PACS2-related conditions. Advanced modeling of protein sequence and biophysical properties (such as structural, functional, and spatial information, amino acid conservation, physicochemical variation, residue mobility, and thermodynamic stability) performed at Invitae indicates that this missense variant is not expected to disrupt PACS2 protein function with a negative predictive value of 80%. In summary, the available evidence is currently insufficient to determine the role of this variant in disease. Therefore, it has been classified as a Variant of Uncertain Significance.

NM_001100913.3(PACS2):c.1322G>A (p.Arg441Gln)

Gene: PACS2 (phosphofurin acidic cluster sorting protein 2; plus strand). Cytogenetic location: 14q32.33.
Variant type: single nucleotide variant.
Coding change: c.1322G>A on transcript NM_001100913.3 (MANE Select); coding-DNA position 1322, G replaced by A.
Protein change: p.Arg441Gln; replaces arginine 441 with glutamine.
Molecular consequence: missense variant.
Genome position (GRCh38, 1-based): chr14:105,381,967, G>A. VCF-style: chr14-105381967-G-A. GRCh37 (hg19) VCF-style: chr14-105848304-G-A.
Other names: c.1097G>A, p.Arg366Gln (NM_001243127.3); c.1322G>A, p.Arg441Gln (NM_015197.4); short protein forms R366Q, R441Q.
Identifiers: ClinVar variation 3628770 (VCV003628770.2).